The following is an entry in ClinVar:

NM_006939.4(SOS2):c.3508G>T (p.Asp1170Tyr)

Gene: SOS2 (SOS Ras/Rho guanine nucleotide exchange factor 2; minus strand). Cytogenetic location: 14q21.3.
Variant type: single nucleotide variant.
Coding change: c.3508G>T on transcript NM_006939.4 (MANE Select); coding-DNA position 3508, G replaced by T.
Protein change: p.Asp1170Tyr; replaces aspartic acid 1170 with tyrosine.
Molecular consequence: missense variant.
Genome position (GRCh38, 1-based): chr14:50,118,835, C>A on the plus strand (G>T on the coding strand, the complement: SOS2 is on the minus strand). VCF-style: chr14-50118835-C-A. GRCh37 (hg19) VCF-style: chr14-50585553-C-A.
Other names: c.3409G>T, p.Asp1137Tyr (NM_001411020.1); short protein forms D1137Y, D1170Y.
Identifiers: ClinVar variation 3630442 (VCV003630442.2).
Genomic context (GRCh38, chr14:50,118,835, plus strand): 5'-GAACTCTGGGTTTTACCTTTGGAGGAGGAGGCTGTCTCGGTGGAATAGCAGGAGGATCAT[C>A]ATCAGATTTCATATTTCCCTCAAAAAAAAAAGTAATTAAATTATACCTCTATTCTGAAAA-3'
Protein context (NP_008870.2, residues 1160-1180): SNSKGNMKSD[Asp1170Tyr]DPPAIPPRQP

ClinVar aggregate classification (germline): Uncertain significance (1 of 4 stars; one submission).

Conditions:
Noonan syndrome 9 (NS9). Identifiers: Orphanet 648, MedGen C4225282, MONDO:0014691, OMIM 616559.

Submission:

Labcorp Genetics (formerly Invitae), Labcorp
Classification: Uncertain significance for Noonan syndrome 9. Last evaluated: 2024-11-16. Review status: criteria provided, single submitter. Criteria: Invitae Variant Classification Sherloc (09022015). Collection method: clinical testing. Allele origin: germline.
Comment: This sequence change replaces aspartic acid, which is acidic and polar, with tyrosine, which is neutral and polar, at codon 1170 of the SOS2 protein (p.Asp1170Tyr). This variant is not present in population databases (gnomAD no frequency). This variant has not been reported in the literature in individuals affected with SOS2-related conditions. Invitae Evidence Modeling of protein sequence and biophysical properties (such as structural, functional, and spatial information, amino acid conservation, physicochemical variation, residue mobility, and thermodynamic stability) indicates that this missense variant is not expected to disrupt SOS2 protein function with a negative predictive value of 95%. Algorithms developed to predict the effect of sequence changes on RNA splicing suggest that this variant may disrupt the consensus splice site. In summary, the available evidence is currently insufficient to determine the role of this variant in disease. Therefore, it has been classified as a Variant of Uncertain Significance.